The following is an entry in ClinVar:

ClinVar aggregate classification (germline): Conflicting classifications of pathogenicity. Review status: criteria provided, conflicting classifications (1 of 4 stars). 3 submissions from 3 submitters: Likely pathogenic (2); Uncertain significance (1). Last evaluated 2025-11-18.

Conditions:
Tay-Sachs disease (TSD). Also called: HEXA Disorders; GM2 gangliosidosis, type 1; Hexosaminidase alpha-subunit deficiency (variant B); Sphingolipidosis, Tay-Sachs; Hexosaminidase A Deficiency; HEXA DEFICIENCY. Identifiers: Orphanet 845, MedGen C0039373, MONDO:0010100, OMIM 272800.

Allele frequency attached by ClinVar (database versions not stated): gnomAD exomes below 0.00001.
gnomAD v4.1: 4 of 1,613,856 alleles (0.00025%); highest among the groups gnomAD compares: Non-Finnish European, 0.00034%; no homozygotes.

Submissions (3):

Myriad Genetics, Inc.
Classification: Uncertain significance for Tay-Sachs disease. Last evaluated: 2025-11-18. Review status: criteria provided, single submitter. Criteria: Myriad Autosomal Dominant, Autosomal Recessive and X-Linked Classification Criteria (2023). Collection method: clinical testing. Allele origin: unknown.
Comment: NM_000520.4(HEXA):c.814G>A(G272R) is a missense variant classified as a variant of uncertain significance in the context of hexosaminidase A deficiency. G272R has been observed in a case with relevant disease (PMID: 20363167). Relevant functional assessments of this variant are available in the literature (PMID: 20363167). G272R has not been observed in referenced population frequency databases. In summary, there is insufficient evidence to classify NM_000520.4(HEXA):c.814G>A(G272R) as pathogenic or benign. Please note: this variant was assessed in the context of healthy population screening.

Natera, Inc.
Classification: Likely pathogenic for Tay-Sachs disease. Last evaluated: 2024-09-22. Review status: criteria provided, single submitter. Criteria: Natera Variant Classification Schema (03/2026). Collection method: clinical testing. Allele origin: germline.
Comment: The c.814G>A variant in HEXA is a missense variant predicted to cause substitution of glycine to arginine at amino acid 272. This variant is rare in the general population with a frequency below the threshold expected for the associated phenotype(s). This variant has been observed in one or more individuals affected with the associated recessive disease, as either homozygous or compound heterozygous with a second variant (PMID: 20363167). Functional studies show that this variant may disrupt protein function (PMID: 20363167). Computational prediction algorithms indicate this variant is likely to affect gene or protein function. Given the available evidence, this variant is classified as Likely Pathogenic.

Labcorp Genetics (formerly Invitae), Labcorp
Classification: Likely pathogenic for Tay-Sachs disease. Last evaluated: 2023-10-18. Review status: criteria provided, single submitter. Criteria: Invitae Variant Classification Sherloc (09022015). Collection method: clinical testing. Allele origin: germline.
Comment: This sequence change replaces glycine, which is neutral and non-polar, with arginine, which is basic and polar, at codon 272 of the HEXA protein (p.Gly272Arg). RNA analysis indicates that this missense change induces altered splicing and may result in an absent or disrupted protein product. This variant is not present in population databases (gnomAD no frequency). This missense change has been observed in individual(s) with Tay Sachs disease (PMID: 20363167). Advanced modeling of protein sequence and biophysical properties (such as structural, functional, and spatial information, amino acid conservation, physicochemical variation, residue mobility, and thermodynamic stability) has been performed at Invitae for this missense variant, however the output from this modeling did not meet the statistical confidence thresholds required to predict the impact of this variant on HEXA protein function. Experimental studies have shown that this missense change does not substantially affect HEXA function (PMID: 20363167). Studies have shown that this missense change results in skipping of exon 8 and introduces a premature termination codon (PMID: 20363167). The resulting mRNA is expected to undergo nonsense-mediated decay. In summary, the currently available evidence indicates that the variant is pathogenic, but additional data are needed to prove that conclusively. Therefore, this variant has been classified as Likely Pathogenic.

Literature cited by the submitters: PubMed 20363167 (cited by 3 submitters).

NM_000520.6(HEXA):c.814G>A (p.Gly272Arg)

Gene: HEXA (hexosaminidase subunit alpha; minus strand). Cytogenetic location: 15q23.
Variant type: single nucleotide variant.
Coding change: c.814G>A on transcript NM_000520.6 (MANE Select); coding-DNA position 814, G replaced by A.
Protein change: p.Gly272Arg; replaces glycine 272 with arginine.
Molecular consequence: missense variant. On other transcripts: non-coding transcript variant (1).
Genome position (GRCh38, 1-based): chr15:72,349,251, C>T on the plus strand (G>A on the coding strand, the complement: HEXA is on the minus strand). VCF-style: chr15-72349251-C-T. GRCh37 (hg19) VCF-style: chr15-72641592-C-T.
Other names: c.847G>A, p.Gly283Arg (NM_001318825.2); c.814G>A (NM_000520.5); short protein forms G272R, G283R.
Identifiers: ClinVar variation 2736240 (VCV002736240.5), dbSNP rs2542523154, ClinGen allele CA393062727.
Genomic context (GRCh38, chr15:72,349,251, plus strand): 5'-GATTCACTGGTCCAAAGGTGCCAGAGGGCTCAGACCCAGAGTAGCAAGGAGTCAGTAATC[C>T]AGGGATACCTAAGCCAAGAGAAAACCCCATATGAGTGTCACAAATACATAAACCCCCACG-3'
Protein context (NP_000511.2, residues 262-282): HTLSWGPGIP[Gly272Arg]LLTPCYSGSE